The following is an entry in ClinVar:

ClinVar aggregate classification (germline): Uncertain significance (1 of 4 stars; one submission).

Conditions:
BBS2-related disorder. Also called: BBS2-related disorders; BBS2-related condition. Identifiers: MedGen CN239228.

gnomAD v4.1: 1 of 1,610,006 alleles (0.000062%); highest among the groups gnomAD compares: Non-Finnish European, 0.000085%; no homozygotes.

Submission:

PreventionGenetics, part of Exact Sciences
Classification: Uncertain significance for BBS2-related condition. Last evaluated: 2024-10-20. Review status: criteria provided, single submitter. Criteria: ACMG Guidelines, 2015. Collection method: clinical testing. Allele origin: germline.
Comment: The BBS2 c.1807T>C variant is predicted to result in the amino acid substitution p.Tyr603His. To our knowledge, this variant has not been reported in the literature or in a large population database (gnomAD), indicating this variant is rare. At this time, the clinical significance of this variant is uncertain due to the absence of conclusive functional and genetic evidence.

NM_031885.5(BBS2):c.1807T>C (p.Tyr603His)

Gene: BBS2 (Bardet-Biedl syndrome 2; minus strand). Cytogenetic location: 16q13.
Variant type: single nucleotide variant.
Coding change: c.1807T>C on transcript NM_031885.5 (MANE Select); coding-DNA position 1807, T replaced by C.
Protein change: p.Tyr603His; replaces tyrosine 603 with histidine.
Molecular consequence: missense variant. On other transcripts: non-coding transcript variant (5).
Genome position (GRCh38, 1-based): chr16:56,497,070, A>G on the plus strand (T>C on the coding strand, the complement: BBS2 is on the minus strand). VCF-style: chr16-56497070-A-G. GRCh37 (hg19) VCF-style: chr16-56530982-A-G.
Other names: c.1807T>C, p.Tyr603His (NM_001377456.1); short protein forms Y603H.
Identifiers: ClinVar variation 4990152 (VCV004990152.1).